The following is an entry in ClinVar:

ClinVar aggregate classification (germline): Pathogenic/Likely pathogenic. Review status: criteria provided, multiple submitters, no conflicts (2 of 4 stars). 3 submissions from 3 submitters: Pathogenic (1); Likely pathogenic (2). Last evaluated 2026-04-19.

Conditions:
Autosomal dominant osteopetrosis 1 (OPTA1). Also called: OSTEOPETROSIS, AUTOSOMAL DOMINANT, TYPE I. Identifiers: Orphanet 2783, MedGen C1843330, MONDO:0011877, OMIM 607634.
Bone mineral density quantitative trait locus 1 (BMND1). Identifiers: MedGen C1866079, OMIM 601884.
Worth disease. Also called: Autosomal dominant osteosclerosis, Worth type; ENDOSTEAL HYPEROSTOSIS, AUTOSOMAL DOMINANT; OSTEOSCLEROSIS, AUTOSOMAL DOMINANT. Identifiers: Orphanet 2790, MedGen C0432273, MONDO:0007764, OMIM 144750.
Polycystic liver disease 4 with or without kidney cysts. Identifiers: MedGen C4693479, MONDO:0044327, OMIM 617875.
Exudative vitreoretinopathy 4 (EVR4). Identifiers: Orphanet 891, MedGen C1866176, MONDO:0011151, OMIM 601813.
Osteoporosis with pseudoglioma (OPPG). Also called: osteoporosis-pseudoglioma syndrome. Identifiers: Orphanet 2788, MedGen C0432252, MONDO:0009820, OMIM 259770.

Allele frequency attached by ClinVar (database versions not stated): gnomAD exomes below 0.00001.
gnomAD v4.1: 1 of 1,607,202 alleles (0.000062%); no homozygotes.

Submissions (3):

GeneDx
Classification: Likely pathogenic. Last evaluated: 2026-04-19. Review status: criteria provided, single submitter. Criteria: GeneDx Variant Classification Process June 2021. Collection method: clinical testing. Allele origin: germline.
Comment: Canonical splice site variant predicted to result in a null allele in a gene for which loss of function is a known mechanism of disease; Not observed at significant frequency in large population cohorts (gnomAD); Has not been previously published as pathogenic or benign to our knowledge; This variant is associated with the following publications: (PMID: 31964843)

Labcorp Genetics (formerly Invitae), Labcorp
Classification: Pathogenic. Last evaluated: 2024-04-08. Review status: criteria provided, single submitter. Criteria: Invitae Variant Classification Sherloc (09022015). Collection method: clinical testing. Allele origin: germline.
Comment: This sequence change affects a donor splice site in intron 14 of the LRP5 gene. It is expected to disrupt RNA splicing. Variants that disrupt the donor or acceptor splice site typically lead to a loss of protein function (PMID: 16199547), and loss-of-function variants in LRP5 are known to be pathogenic (PMID: 11719191, 16252235, 25711638). This variant is present in population databases (no rsID available, gnomAD 0.0009%). Disruption of this splice site has been observed in individual(s) with exudative vitreoretinopathy (Invitae). It has also been observed to segregate with disease in related individuals. ClinVar contains an entry for this variant (Variation ID: 1512510). Algorithms developed to predict the effect of sequence changes on RNA splicing suggest that this variant may disrupt the consensus splice site. For these reasons, this variant has been classified as Pathogenic.

Fulgent Genetics
Classification: Likely pathogenic for Worth disease; Osteoporosis with pseudoglioma; Exudative vitreoretinopathy 4; Bone mineral density quantitative trait locus 1; Autosomal dominant osteopetrosis 1; Polycystic liver disease 4 with or without kidney cysts. Last evaluated: 2024-03-19. Review status: criteria provided, single submitter. Criteria: ACMG Guidelines, 2015. Collection method: clinical testing. Allele origin: germline.

Literature cited by the submitters: PubMed 16199547 (cited by Labcorp Genetics (formerly Invitae), Labcorp); PubMed 11719191 (cited by Labcorp Genetics (formerly Invitae), Labcorp); PubMed 16252235 (cited by Labcorp Genetics (formerly Invitae), Labcorp); PubMed 25711638 (cited by Labcorp Genetics (formerly Invitae), Labcorp).

NM_002335.4(LRP5):c.3236+2T>G

Gene: LRP5 (LDL receptor related protein 5; plus strand). Cytogenetic location: 11q13.2.
Variant type: single nucleotide variant.
Coding change: c.3236+2T>G on transcript NM_002335.4 (MANE Select); the canonical splice donor site of the intron after coding-DNA position 3236, T replaced by G.
Molecular consequence: splice donor variant.
Genome position (GRCh38, 1-based): chr11:68,423,699, T>G. VCF-style: chr11-68423699-T-G. GRCh37 (hg19) VCF-style: chr11-68191167-T-G.
Other names: c.1493+2T>G (NM_001291902.2).
Identifiers: ClinVar variation 1512510 (VCV001512510.8), dbSNP rs1460396716, ClinGen allele CA381620999.
Genomic context (GRCh38, chr11:68,423,699, plus strand): 5'-GTGGTGCTGCGTGGGGACCGCGACAAGCCCAGGGCCATCGTCGTCAACGCGGAGCGAGGG[T>G]AGGAGGCCAACGGGTGGGTGGGGGTGCTGCCCGTCCAGGCGTGCCCGCCGTGTCTTCTGC-3'